The following is an entry in ClinVar:

ClinVar aggregate classification (germline): Uncertain significance (1 of 4 stars; one submission).

Conditions:
Glanzmann thrombasthenia. Also called: BLEEDING DISORDER, PLATELET-TYPE, 2; THROMBASTHENIA OF GLANZMANN AND NAEGELI; PLATELET GLYCOPROTEIN IIb-IIIa DEFICIENCY; Thrombasthenia; Glanzmann's thrombasthenia. Identifiers: Orphanet 849, MedGen C0040015, MONDO:0100326.

Submission:

Labcorp Genetics (formerly Invitae), Labcorp
Classification: Uncertain significance for Glanzmann thrombasthenia. Last evaluated: 2023-10-22. Review status: criteria provided, single submitter. Criteria: Invitae Variant Classification Sherloc (09022015). Collection method: clinical testing. Allele origin: germline.
Comment: This sequence change replaces aspartic acid, which is acidic and polar, with valine, which is neutral and non-polar, at codon 1034 of the ITGA2B protein (p.Asp1034Val). This variant is not present in population databases (gnomAD no frequency). This variant has not been reported in the literature in individuals affected with ITGA2B-related conditions. An algorithm developed to predict the effect of missense changes on protein structure and function (PolyPhen-2) suggests that this variant is likely to be tolerated. In summary, the available evidence is currently insufficient to determine the role of this variant in disease. Therefore, it has been classified as a Variant of Uncertain Significance.

NM_000419.5(ITGA2B):c.3101A>T (p.Asp1034Val)

Gene: ITGA2B (integrin subunit alpha 2b; minus strand). Cytogenetic location: 17q21.31.
Variant type: single nucleotide variant.
Coding change: c.3101A>T on transcript NM_000419.5 (MANE Select); coding-DNA position 3101, A replaced by T.
Protein change: p.Asp1034Val; replaces aspartic acid 1034 with valine.
Molecular consequence: missense variant.
Genome position (GRCh38, 1-based): chr17:44,372,383, T>A on the plus strand (A>T on the coding strand, the complement: ITGA2B is on the minus strand). VCF-style: chr17-44372383-T-A. GRCh37 (hg19) VCF-style: chr17-42449751-T-A.
Other names: short protein forms D1034V.
Identifiers: ClinVar variation 2782451 (VCV002782451.3), dbSNP rs2510070708, ClinGen allele CA399787704.
Genomic context (GRCh38, chr17:44,372,383, plus strand): 5'-GCACGCCCAACCCTCCTGCTAGAATAGTGTAGGCTGCACCATCACTCCCCCTCTTCATCA[T>A]CTTCTTCCAGGGGTGGCCGGTTCCGCTTGAAGAAGCCGACCTGGGGGTACACGGGGGCCA-3'
Protein context (NP_000410.2, residues 1024-1039): FKRNRPPLEE[Asp1034Val]DEEGE